The following is an entry in ClinVar:

NM_001273.5(CHD4):c.3659A>C (p.Lys1220Thr)

Gene: CHD4 (chromodomain helicase DNA binding protein 4; minus strand). Cytogenetic location: 12p13.31.
Variant type: single nucleotide variant.
Coding change: c.3659A>C on transcript NM_001273.5 (MANE Select); coding-DNA position 3659, A replaced by C.
Protein change: p.Lys1220Thr; replaces lysine 1220 with threonine.
Molecular consequence: missense variant.
Genome position (GRCh38, 1-based): chr12:6,587,756, T>G on the plus strand (A>C on the coding strand, the complement: CHD4 is on the minus strand). VCF-style: chr12-6587756-T-G. GRCh37 (hg19) VCF-style: chr12-6696922-T-G.
Other names: c.3638A>C, p.Lys1213Thr (NM_001297553.2); c.3620A>C, p.Lys1207Thr (NM_001363606.2); short protein forms K1220T, K1213T, K1207T.
Identifiers: ClinVar variation 520917 (VCV000520917.6), dbSNP rs1377989582, ClinGen allele CA383581444.

ClinVar aggregate classification (germline): Conflicting classifications of pathogenicity. Review status: criteria provided, conflicting classifications (1 of 4 stars). 2 submissions from 2 submitters: Likely pathogenic (1); Uncertain significance (1). Last evaluated 2024-03-27.

Conditions:
Inborn genetic diseases. Identifiers: MedGen C0950123, MeSH D030342.

Submissions (2):

GeneDx
Classification: Uncertain significance. Last evaluated: 2024-03-27. Review status: criteria provided, single submitter. Criteria: GeneDx Variant Classification Process June 2021. Collection method: clinical testing. Allele origin: germline. Affected: yes.
Comment: Not observed at significant frequency in large population cohorts (gnomAD); In silico analysis supports that this missense variant has a deleterious effect on protein structure/function; Has not been previously published as pathogenic or benign to our knowledge

Ambry Genetics
Classification: Likely pathogenic for Inborn genetic diseases. Last evaluated: 2020-03-10. Review status: criteria provided, single submitter. Criteria: Ambry Variant Classification Scheme 2023. Collection method: clinical testing. Allele origin: germline.
Comment: The alteration results in an amino acid change:_x000D_ _x000D_ The c.3659A>C (p.K1220T) alteration is located in exon 24 (coding exon 23) of the CHD4 gene. This alteration results from a A to C substitution at nucleotide position 3659, causing the lysine (K) at amino acid position 1220 to be replaced by a threonine (T). The alteration is not observed in population databases:_x000D_ _x000D_ Based on data from the Genome Aggregation Database (gnomAD), the CHD4 c.3659A>C alteration was not observed, with coverage at this position. The altered amino acid is conserved throughout evolution:_x000D_ _x000D_ The p.K1220 amino acid is conserved in available vertebrate species. The alteration is predicted inconclusive by in silico modeling:_x000D_ _x000D_ The in silico prediction for the p.K1220T alteration is inconclusive. Based on the available evidence, this alteration is classified as likely pathogenic.